The following is an entry in ClinVar:

NM_024422.6(DSC2):c.2318G>C (p.Gly773Ala)

Gene: DSC2 (desmocollin 2; minus strand). Cytogenetic location: 18q12.1.
Variant type: single nucleotide variant.
Coding change: c.2318G>C on transcript NM_024422.6 (MANE Select); coding-DNA position 2318, G replaced by C.
Protein change: p.Gly773Ala; replaces glycine 773 with alanine.
Molecular consequence: missense variant.
Genome position (GRCh38, 1-based): chr18:31,069,084, C>G on the plus strand (G>C on the coding strand, the complement: DSC2 is on the minus strand). VCF-style: chr18-31069084-C-G. GRCh37 (hg19) VCF-style: chr18-28649050-C-G.
Other names: p.G773A:GGA>GCA; c.2318G>C, p.Gly773Ala (NM_004949.5); short protein forms G773A.
Identifiers: ClinVar variation 199773 (VCV000199773.22), dbSNP rs749174176, ClinGen allele CA022666.

ClinVar aggregate classification (germline): Uncertain significance. Review status: criteria provided, multiple submitters, no conflicts (2 of 4 stars). 7 submissions from 7 submitters: Uncertain significance (7). Last evaluated 2025-12-10.

Conditions:
Cardiovascular phenotype. Identifiers: MedGen CN230736.
Familial isolated arrhythmogenic right ventricular dysplasia. Identifiers: Orphanet 217656, MedGen C4274968, MONDO:0016342.
Cardiomyopathy (CMYO). Also called: Cardiomyopathies. Identifiers: Orphanet 167848, MedGen C0878544, MONDO:0004994, HP:0001638. Inheritance: Various modes of inheritance.
Arrhythmogenic right ventricular dysplasia 11. Also called: ARRHYTHMOGENIC RIGHT VENTRICULAR DYSPLASIA, FAMILIAL, 11; Arrhythmogenic right ventricular dysplasia 11 with mild palmoplantar keratoderma and woolly hair; Arrhythmogenic Right Ventricular Dysplasia/Cardiomyopathy11. Identifiers: MedGen C1864850, MONDO:0012506, OMIM 610476.

Allele frequency attached by ClinVar (database versions not stated): gnomAD exomes below 0.00001; ExAC 0.00001; gnomAD 0.00001.
gnomAD v4.1: 3 of 1,614,114 alleles (0.00019%); highest among the groups gnomAD compares: Admixed American, 0.0017%; no homozygotes.

Submissions (7):

Labcorp Genetics (formerly Invitae), Labcorp
Classification: Uncertain significance for Arrhythmogenic right ventricular dysplasia 11. Last evaluated: 2025-12-10. Review status: criteria provided, single submitter. Criteria: Invitae Variant Classification Sherloc (09022015). Collection method: clinical testing. Allele origin: germline.
Comment: This sequence change replaces glycine, which is neutral and non-polar, with alanine, which is neutral and non-polar, at codon 773 of the DSC2 protein (p.Gly773Ala). This variant is present in population databases (rs749174176, gnomAD 0.003%). This variant has not been reported in the literature in individuals affected with DSC2-related conditions. ClinVar contains an entry for this variant (Variation ID: 199773). Invitae Evidence Modeling of protein sequence and biophysical properties (such as structural, functional, and spatial information, amino acid conservation, physicochemical variation, residue mobility, and thermodynamic stability) indicates that this missense variant is not expected to disrupt DSC2 protein function with a negative predictive value of 80%. In summary, the available evidence is currently insufficient to determine the role of this variant in disease. Therefore, it has been classified as a Variant of Uncertain Significance.

Ambry Genetics
Classification: Uncertain significance for Cardiovascular phenotype. Last evaluated: 2025-08-24. Review status: criteria provided, single submitter. Criteria: Ambry Variant Classification Scheme 2023. Collection method: clinical testing. Allele origin: germline.
Comment: The p.G773A variant (also known as c.2318G>C), located in coding exon 15 of the DSC2 gene, results from a G to C substitution at nucleotide position 2318. The glycine at codon 773 is replaced by alanine, an amino acid with similar properties. This amino acid position is conserved. In addition, this alteration is predicted to be tolerated by in silico analysis. Since supporting evidence is limited at this time, the clinical significance of this alteration remains unclear.

GeneDx
Classification: Uncertain significance. Last evaluated: 2025-07-24. Review status: criteria provided, single submitter. Criteria: GeneDx Variant Classification Process June 2021. Collection method: clinical testing. Allele origin: germline. Affected: yes.
Comment: Has not been previously published as pathogenic or benign to our knowledge; Not observed at significant frequency in large population cohorts (gnomAD); In silico analysis supports that this missense variant has a deleterious effect on protein structure/function

Blueprint Genetics
Classification: Uncertain significance. Last evaluated: 2024-05-23. Review status: criteria provided, single submitter. Criteria: ACMG Guidelines, 2015. Collection method: clinical testing. Allele origin: germline.

Color Diagnostics, LLC DBA Color Health
Classification: Uncertain significance for Cardiomyopathy. Last evaluated: 2024-03-06. Review status: criteria provided, single submitter. Criteria: ACMG Guidelines, 2015. Collection method: clinical testing. Allele origin: germline.
Comment: This missense variant replaces glycine with alanine at codon 773 of the DSC2 protein. Computational prediction suggests that this variant may not impact protein structure and function (internally defined REVEL score threshold <= 0.5, PMID: 27666373). To our knowledge, functional studies have not been reported for this variant. This variant has not been reported in individuals affected with DSC2-related disorders in the literature. This variant has not been identified in the general population by the Genome Aggregation Database (gnomAD). The available evidence is insufficient to determine the role of this variant in disease conclusively. Therefore, this variant is classified as a Variant of Uncertain Significance.

All of Us Research Program, National Institutes of Health
Classification: Uncertain significance for Familial isolated arrhythmogenic right ventricular dysplasia. Last evaluated: 2023-11-30. Review status: criteria provided, single submitter. Criteria: ACMG Guidelines, 2015. Collection method: clinical testing. Allele origin: germline. Inheritance: Autosomal dominant inheritance. Observed: 4 variant alleles, 4 heterozygotes.
Comment: This missense variant replaces glycine with alanine at codon 773 of the DSC2 protein. Computational prediction suggests that this variant may not impact protein structure and function (internally defined REVEL score threshold <= 0.5, PMID: 27666373). Splice site prediction tools suggest that this variant may not impact RNA splicing. To our knowledge, functional studies have not been reported for this variant. This variant has not been reported in individuals affected with cardiovascular disorders in the literature. This variant has not been identified in the general population by the Genome Aggregation Database (gnomAD). The available evidence is insufficient to determine the role of this variant in disease conclusively. Therefore, this variant is classified as a Variant of Uncertain Significance.

This study involves interpretation of variants in research participants for the purpose of population health screening. Participant phenotype was not available at the time of variant classification. Additional details can be found in publication PMID: 35346344, PMCID: PMC8962531

Fulgent Genetics
Classification: Uncertain significance for Arrhythmogenic right ventricular dysplasia 11. Last evaluated: 2021-08-19. Review status: criteria provided, single submitter. Criteria: ACMG Guidelines, 2015. Collection method: clinical testing. Allele origin: unknown.